The following is an entry in ClinVar:

ClinVar aggregate classification (germline): Uncertain significance (1 of 4 stars; one submission).

gnomAD v4.1: 1 of 1,614,066 alleles (0.000062%); highest among the groups gnomAD compares: South Asian, 0.0011%; no homozygotes.

Submission:

Ambry Genetics
Classification: Uncertain significance. Last evaluated: 2024-06-21. Review status: criteria provided, single submitter. Criteria: Ambry Variant Classification Scheme 2023. Collection method: clinical testing. Allele origin: germline.
Comment: The p.P12S variant (also known as c.34C>T), located in coding exon 1 of the BUB3 gene, results from a C to T substitution at nucleotide position 34. The proline at codon 12 is replaced by serine, an amino acid with similar properties. This amino acid position is conserved. In addition, this alteration is predicted to be tolerated by in silico analysis. Based on the available evidence, the clinical significance of this variant remains unclear.

NM_004725.4(BUB3):c.34C>T (p.Pro12Ser)

Gene: BUB3 (BUB3 mitotic checkpoint protein; plus strand). Cytogenetic location: 10q26.13.
Variant type: single nucleotide variant.
Coding change: c.34C>T on transcript NM_004725.4 (MANE Select); coding-DNA position 34, C replaced by T.
Protein change: p.Pro12Ser; replaces proline 12 with serine.
Molecular consequence: missense variant.
Genome position (GRCh38, 1-based): chr10:123,154,951, C>T. VCF-style: chr10-123154951-C-T. GRCh37 (hg19) VCF-style: chr10-124914467-C-T.
Other names: c.34C>T, p.Pro12Ser (NM_001007793.3); short protein forms P12S.
Identifiers: ClinVar variation 3262317 (VCV003262317.1).